The following is an entry in ClinVar:

NM_024923.4(NUP210):c.4602G>A (p.Thr1534=)

Gene: NUP210 (nucleoporin 210; minus strand). Cytogenetic location: 3p25.1.
Variant type: single nucleotide variant.
Coding change: c.4602G>A on transcript NM_024923.4 (MANE Select); coding-DNA position 4602, G replaced by A.
Protein change: p.Thr1534=; no amino-acid change (threonine 1534 retained).
Molecular consequence: synonymous variant.
Genome position (GRCh38, 1-based): chr3:13,325,837, C>T on the plus strand (G>A on the coding strand, the complement: NUP210 is on the minus strand). VCF-style: chr3-13325837-C-T. GRCh37 (hg19) VCF-style: chr3-13367337-C-T.
Identifiers: ClinVar variation 3032082 (VCV003032082.2), dbSNP rs552467572, ClinGen allele CA2263036.

ClinVar aggregate classification (germline): Likely benign (0 of 4 stars; one submission).

Conditions:
NUP210-related disorder. Also called: NUP210-related condition.

Allele frequency attached by ClinVar (database versions not stated): TOPMed 0.00006; gnomAD 0.00007; 1000 Genomes Project 30x 0.00016; 1000 Genomes Project 0.00020.
gnomAD v4.1: 36 of 1,613,964 alleles (0.0022%); highest among the groups gnomAD compares: Middle Eastern, 0.016%; no homozygotes.

Submission:

PreventionGenetics, part of Exact Sciences
Classification: Likely benign for NUP210-related condition. Last evaluated: 2020-10-27. Review status: no assertion criteria provided. Collection method: clinical testing. Allele origin: germline.
Comment: This variant is classified as likely benign based on ACMG/AMP sequence variant interpretation guidelines (Richards et al. 2015 PMID: 25741868, with internal and published modifications).